The following is an entry in ClinVar:

GRCh38/hg38 15q26.3(chr15:100472094-101062436)x3

Genes: ALDH1A3 (aldehyde dehydrogenase 1 family member A3; plus strand), ALDH1A3-AS1 (ALDH1A3 antisense RNA 1; minus strand), ASB7 (ankyrin repeat and SOCS box containing 7; plus strand), CERS3 (ceramide synthase 3; minus strand), GCAWKR (gastric cancer associated WDR5 and KAT2A binding lncRNA; plus strand) and 30 more. Cytogenetic location: 15q26.3.
Variant type: copy number gain.
Change: copy number 3 (three copies instead of two) of chr15:100,472,094-101,062,436 (590.3 kb, GRCh38 coordinates, 1-based), cytogenetic band 15q26.3.
Identifiers: ClinVar variation 148565 (VCV000148565.2).

ClinVar aggregate classification (germline): conflicting data from submitters (0 of 4 stars; one submission).

Submission:

ISCA site 1
Classification: conflicting data from submitters. Last evaluated: 2011-08-05. Review status: no assertion criteria provided. Collection method: clinical testing. Allele origin: maternal, unknown. Affected: yes. Observed: 2 variant alleles.
Comment: Uncertain significance(1), Likely benign (1)

Copy number variation identified through the course of routine clinical cytogenomic testing in postnatal populations, with clinical assertions as classified by the original submitter. For data from the original published study, Kaminsky, et al. 2011 (PubMed 21844811), please see nstd101.